The following is an entry in ClinVar:

ClinVar aggregate classification (germline): Uncertain significance (1 of 4 stars; one submission).

Conditions:
Tuberous sclerosis 1 (TSC1). Identifiers: Orphanet 805, MedGen C1854465, MONDO:0008612, OMIM 191100.

Submission:

Labcorp Genetics (formerly Invitae), Labcorp
Classification: Uncertain significance for Tuberous sclerosis 1. Last evaluated: 2023-05-01. Review status: criteria provided, single submitter. Criteria: Invitae Variant Classification Sherloc (09022015). Collection method: clinical testing. Allele origin: germline.
Comment: This variant has not been reported in the literature in individuals affected with TSC1-related conditions. In summary, the available evidence is currently insufficient to determine the role of this variant in disease. Therefore, it has been classified as a Variant of Uncertain Significance. Studies have shown that this variant is associated with altered splicing resulting in unknown protein product impact (Invitae). This variant is not present in population databases (gnomAD no frequency). This sequence change falls in intron 10 of the TSC1 gene. It does not directly change the encoded amino acid sequence of the TSC1 protein.

NM_000368.5(TSC1):c.1030-12T>C

Gene: TSC1 (TSC complex subunit 1; minus strand). Cytogenetic location: 9q34.13.
Variant type: single nucleotide variant.
Coding change: c.1030-12T>C on transcript NM_000368.5 (MANE Select); 12 bases into the intron before coding-DNA position 1030, T replaced by C.
Molecular consequence: intron variant.
Genome position (GRCh38, 1-based): chr9:132,911,125, A>G on the plus strand (T>C on the coding strand, the complement: TSC1 is on the minus strand). VCF-style: chr9-132911125-A-G. GRCh37 (hg19) VCF-style: chr9-135786512-A-G.
Other names: c.667-12T>C (NM_001406618.1, NM_001406625.1, NM_001406621.1 and 10 more transcripts); c.877-12T>C (NM_001406613.1, NM_001406612.1, NM_001406610.1 and 2 more transcripts); c.79-12T>C (NM_001406627.1, NM_001406628.1, NM_001406626.1); c.-21-12T>C (NM_001406629.1, NM_001406630.1); c.1030-12T>C (NM_001406603.1, NM_001406609.1, NM_001406597.1 and 16 more transcripts).
Identifiers: ClinVar variation 2861058 (VCV002861058.3), dbSNP rs2538854755, ClinGen allele CA2739264817.